The following is an entry in ClinVar:

NM_015978.3(TNNI3K):c.1705G>A (p.Asp569Asn)

Genes: FPGT-TNNI3K (FPGT-TNNI3K readthrough; plus strand), TNNI3K (TNNI3 interacting kinase; plus strand). Cytogenetic location: 1p31.1.
Variant type: single nucleotide variant.
Coding change: c.1705G>A on transcript NM_015978.3 (MANE Select); coding-DNA position 1705, G replaced by A.
Protein change: p.Asp569Asn; replaces aspartic acid 569 with asparagine.
Molecular consequence: missense variant.
Genome position (GRCh38, 1-based): chr1:74,370,325, G>A. VCF-style: chr1-74370325-G-A. GRCh37 (hg19) VCF-style: chr1-74836009-G-A.
Other names: c.2008G>A, p.Asp670Asn (NM_001112808.3, NM_001199327.2); short protein forms D569N, D670N.
Identifiers: ClinVar variation 3619562 (VCV003619562.3).
Genomic context (GRCh38, chr1:74,370,325, plus strand): 5'-TTAAATCTATTTTTAAATTCTAGGATTCTTGATTTGCAGTCTAAATTAATTATTGCAGTA[G>A]ATGTTGCCAAAGGCATGGAGTACCTTCACAACCTGACACAGCCAATTATACATCGTGACT-3'
Protein context (NP_057062.1, residues 559-579): DLQSKLIIAV[Asp569Asn]VAKGMEYLHN

ClinVar aggregate classification (germline): Uncertain significance. Review status: criteria provided, multiple submitters, no conflicts (2 of 4 stars). 2 submissions from 2 submitters: Uncertain significance (2). Last evaluated 2024-10-13.

gnomAD v4.1: 10 of 1,604,306 alleles (0.00062%); highest among the groups gnomAD compares: African/African-American, 0.0013%; no homozygotes.

Submissions (2):

Labcorp Genetics (formerly Invitae), Labcorp
Classification: Uncertain significance. Last evaluated: 2024-10-13. Review status: criteria provided, single submitter. Criteria: Invitae Variant Classification Sherloc (09022015). Collection method: clinical testing. Allele origin: germline.
Comment: This sequence change replaces aspartic acid, which is acidic and polar, with asparagine, which is neutral and polar, at codon 569 of the TNNI3K protein (p.Asp569Asn). This variant is present in population databases (no rsID available, gnomAD 0.002%). This variant has not been reported in the literature in individuals affected with TNNI3K-related conditions. Invitae Evidence Modeling of protein sequence and biophysical properties (such as structural, functional, and spatial information, amino acid conservation, physicochemical variation, residue mobility, and thermodynamic stability) has been performed for this missense variant. However, the output from this modeling did not meet the statistical confidence thresholds required to predict the impact of this variant on TNNI3K protein function. In summary, the available evidence is currently insufficient to determine the role of this variant in disease. Therefore, it has been classified as a Variant of Uncertain Significance.

Blueprint Genetics
Classification: Uncertain significance. Last evaluated: 2023-05-09. Review status: criteria provided, single submitter. Criteria: ACMG Guidelines, 2015. Collection method: clinical testing. Allele origin: germline.